The following is an entry in ClinVar:

NM_001853.4(COL9A3):c.1653_1706del (p.Arg555_Gly572del)

Gene: COL9A3 (collagen type IX alpha 3 chain; plus strand). Cytogenetic location: 20q13.33.
Variant type: Deletion.
Coding change: c.1653_1706del on transcript NM_001853.4 (MANE Select); coding-DNA positions 1653 to 1706, 54 bases deleted.
Protein change: p.Arg555_Gly572del.
Molecular consequence: inframe deletion.
Genome position (GRCh38, 1-based): chr20:62,837,132-62,837,185, 54 bases deleted. GRCh37 (hg19): chr20:61,468,484-61,468,537.
Identifiers: ClinVar variation 1707764 (VCV001707764.8), dbSNP rs1568765552, ClinGen allele CA636612271.

ClinVar aggregate classification (germline): Uncertain significance. Review status: criteria provided, multiple submitters, no conflicts (2 of 4 stars). 2 submissions from 2 submitters: Uncertain significance (2). Last evaluated 2025-03-06.

Submissions (2):

Labcorp Genetics (formerly Invitae), Labcorp
Classification: Uncertain significance. Last evaluated: 2025-03-06. Review status: criteria provided, single submitter. Criteria: Invitae Variant Classification Sherloc (09022015). Collection method: clinical testing. Allele origin: germline.
Comment: This variant, c.1653_1706del, results in the deletion of 18 amino acid(s) of the COL9A3 protein (p.Arg555_Gly572del), but otherwise preserves the integrity of the reading frame. This variant is present in population databases (no rsID available, gnomAD 0.0009%). This variant has not been reported in the literature in individuals affected with COL9A3-related conditions. ClinVar contains an entry for this variant (Variation ID: 1707764). Experimental studies and prediction algorithms are not available or were not evaluated, and the functional significance of this variant is currently unknown. In summary, the available evidence is currently insufficient to determine the role of this variant in disease. Therefore, it has been classified as a Variant of Uncertain Significance.

GeneDx
Classification: Uncertain significance. Last evaluated: 2025-03-04. Review status: criteria provided, single submitter. Criteria: GeneDx Variant Classification Process June 2021. Collection method: clinical testing. Allele origin: germline.
Comment: Has not been previously published as pathogenic or benign to our knowledge; Not observed at significant frequency in large population cohorts (gnomAD); In-frame deletion of 18 amino acids in a non-repeat region; In silico analysis supports a deleterious effect on protein structure/function